The following is an entry in ClinVar:

NM_005188.4(CBL):c.2181T>G (p.Asp727Glu)

Gene: CBL (Cbl proto-oncogene; plus strand). Cytogenetic location: 11q23.3.
Variant type: single nucleotide variant.
Coding change: c.2181T>G on transcript NM_005188.4 (MANE Select); coding-DNA position 2181, T replaced by G.
Protein change: p.Asp727Glu; replaces aspartic acid 727 with glutamic acid.
Molecular consequence: missense variant.
Genome position (GRCh38, 1-based): chr11:119,297,411, T>G. VCF-style: chr11-119297411-T-G. GRCh37 (hg19) VCF-style: chr11-119168121-T-G.
Other names: short protein forms D727E.
Identifiers: ClinVar variation 3827782 (VCV003827782.1).

ClinVar aggregate classification (germline): Uncertain significance (1 of 4 stars; one submission).

Conditions:
Cardiovascular phenotype. Identifiers: MedGen CN230736.

Submission:

Ambry Genetics
Classification: Uncertain significance for Cardiovascular phenotype. Last evaluated: 2024-12-20. Review status: criteria provided, single submitter. Criteria: Ambry Variant Classification Scheme 2023. Collection method: clinical testing. Allele origin: germline.
Comment: The p.D727E variant (also known as c.2181T>G), located in coding exon 14 of the CBL gene, results from a T to G substitution at nucleotide position 2181. The aspartic acid at codon 727 is replaced by glutamic acid, an amino acid with highly similar properties. This amino acid position is conserved. In addition, this alteration is predicted to be tolerated by in silico analysis. Based on the available evidence, the clinical significance of this variant remains unclear.